The following is an entry in ClinVar:

ClinVar aggregate classification (germline): Uncertain significance. Review status: criteria provided, single submitter (1 of 4 stars). 2 submissions from 2 submitters: Uncertain significance (1). 1 of the submissions does not count toward it. Last evaluated 2024-07-06.

Conditions:
Mowat-Wilson syndrome (MOWS). Also called: Classic Mowat-Wilson Syndrome. Identifiers: Orphanet 2152, MedGen C1856113, MONDO:0009341, OMIM 235730.

Submissions (2):

Labcorp Genetics (formerly Invitae), Labcorp
Classification: Uncertain significance for Mowat-Wilson syndrome. Last evaluated: 2024-07-06. Review status: criteria provided, single submitter. Criteria: Invitae Variant Classification Sherloc (09022015). Collection method: clinical testing. Allele origin: germline.
Comment: This variant occurs in a non-coding region of the ZEB2 gene. It does not change the encoded amino acid sequence of the ZEB2 protein. RNA analysis indicates that this variant induces altered splicing and is likely to result in the loss of the initiator methionine. This variant is not present in population databases (gnomAD no frequency). This variant has been observed in individual(s) with Mowat-Wilson syndrome (PMID: 16532472). This variant is also known as c.1-70G>A. ClinVar contains an entry for this variant (Variation ID: 4767). Variants that disrupt the consensus splice site are a relatively common cause of aberrant splicing (PMID: 17576681, 9536098). Studies have shown that this variant results in skipping of 2, and is expected to result in the loss of the initiator methionine (PMID: 16532472). In summary, the available evidence is currently insufficient to determine the role of this variant in disease. Therefore, it has been classified as a Variant of Uncertain Significance.

OMIM
Classification: Pathogenic for MOWAT-WILSON SYNDROME. Last evaluated: 2008-04-15. Review status: no assertion criteria provided. Collection method: literature only. Allele origin: germline. Not counted in ClinVar's aggregate classification.

Literature cited by the submitters: PubMed 16532472 (cited by Labcorp Genetics (formerly Invitae), Labcorp and OMIM); PubMed 17576681 (cited by Labcorp Genetics (formerly Invitae), Labcorp); PubMed 9536098 (cited by Labcorp Genetics (formerly Invitae), Labcorp); PubMed 18182442 (cited by OMIM).

NM_014795.4(ZEB2):c.-69-1G>A

Gene: ZEB2 (zinc finger E-box binding homeobox 2; minus strand). Cytogenetic location: 2q22.3.
Variant type: single nucleotide variant.
Coding change: c.-69-1G>A on transcript NM_014795.4 (MANE Select); the canonical splice acceptor site of the intron before 69 bases upstream of the start codon, G replaced by A.
Molecular consequence: splice acceptor variant.
Genome position (GRCh38, 1-based): chr2:144,517,420, C>T on the plus strand (G>A on the coding strand, the complement: ZEB2 is on the minus strand). VCF-style: chr2-144517420-C-T. GRCh37 (hg19) VCF-style: chr2-145274987-C-T.
Other names: IVS1AS, G-A, -1; c.-69-1G>A (NM_001171653.2).
Identifiers: ClinVar variation 4767 (VCV000004767.3), dbSNP rs587776612, ClinGen allele CA253287.